The following is an entry in ClinVar:

ClinVar aggregate classification (germline): Uncertain significance. Review status: criteria provided, multiple submitters, no conflicts (2 of 4 stars). 2 submissions from 2 submitters: Uncertain significance (2). Last evaluated 2024-09-06.

Conditions:
Neuronal ceroid lipofuscinosis. Also called: Neuronal Ceroid Lipofuscinoses. Identifiers: Orphanet 216, Orphanet 79263, MedGen C0027877, MONDO:0016295. Disease mechanism: loss of function.

Allele frequency attached by ClinVar (database versions not stated): TOPMed 0.00001.
gnomAD v4.1: 13 of 1,613,874 alleles (0.00081%); highest among the groups gnomAD compares: South Asian, 0.011%; no homozygotes.

Submissions (2):

Labcorp Genetics (formerly Invitae), Labcorp
Classification: Uncertain significance for Neuronal ceroid lipofuscinosis. Last evaluated: 2024-09-06. Review status: criteria provided, single submitter. Criteria: Invitae Variant Classification Sherloc (09022015). Collection method: clinical testing. Allele origin: germline.
Comment: This sequence change replaces arginine, which is basic and polar, with lysine, which is basic and polar, at codon 164 of the DNAJC5 protein (p.Arg164Lys). This variant is present in population databases (rs762961919, gnomAD 0.02%). This variant has not been reported in the literature in individuals affected with DNAJC5-related conditions. ClinVar contains an entry for this variant (Variation ID: 205376). An algorithm developed to predict the effect of missense changes on protein structure and function (PolyPhen-2) suggests that this variant is likely to be tolerated. In summary, the available evidence is currently insufficient to determine the role of this variant in disease. Therefore, it has been classified as a Variant of Uncertain Significance.

GeneDx
Classification: Uncertain significance. Last evaluated: 2013-11-07. Review status: criteria provided, single submitter. Criteria: GeneDx Variant Classification (06012015). Collection method: clinical testing. Allele origin: germline. Affected: yes.
Comment: p.Arg164Lys (AGG>AAG): c.491 G>A in exon 4 of the DNAJC5 gene (NM_025219.2). The Arg164Lys missense change in the DNAJC5 gene has not been published as a mutation, nor has it been reported as a benign polymorphism to our knowledge. It was not observed in approximately 6,500 individuals of European and African American ancestry in the NHLBI Exome Sequencing Project, indicating it is not a common benign variant in these populations. This variant is a conservative substitution of one positively charged amino acid for another at a position that is conserved in mammals but is not conserved in more distantly related species. In silico analysis is inconsistent with regard to the effect this variant may have on the protein structure/function. Therefore, based on the currently available information, it is unclear whether Arg164Lys is a disease-causing mutation or a rare benign variant. The variant is found in EPILEPSY panel(s).

NM_025219.3(DNAJC5):c.491G>A (p.Arg164Lys)

Gene: DNAJC5 (DnaJ heat shock protein family (Hsp40) member C5; plus strand). Cytogenetic location: 20q13.33.
Variant type: single nucleotide variant.
Coding change: c.491G>A on transcript NM_025219.3 (MANE Select); coding-DNA position 491, G replaced by A.
Protein change: p.Arg164Lys; replaces arginine 164 with lysine.
Molecular consequence: missense variant.
Genome position (GRCh38, 1-based): chr20:63,931,020, G>A. VCF-style: chr20-63931020-G-A. GRCh37 (hg19) VCF-style: chr20-62562373-G-A.
Other names: p.R164K:AGG>AAG; short protein forms R164K.
Identifiers: ClinVar variation 205376 (VCV000205376.9), dbSNP rs762961919, ClinGen allele CA314391.
Genomic context (GRCh38, chr20:63,931,020, plus strand): 5'-AGGAGACGGAGTTCTACGTGTCCCCCGAGGATCTGGAGGCACAGCTGCAGTCTGACGAGA[G>A]GGGTGAGTGCCCGCCCCAGGGCCCGTGTGTGTGTGTGGGGCAGAGCCAGAATGGGCCCTG-3'
Protein context (NP_079495.1, residues 154-174): DLEAQLQSDE[Arg164Lys]EATDTPIVIQ